The following is an entry in ClinVar:

ClinVar aggregate classification (germline): Benign. Review status: criteria provided, multiple submitters, no conflicts (2 of 4 stars). 3 submissions from 3 submitters: Benign (3). Last evaluated 2024-11-26.

Allele frequency attached by ClinVar (database versions not stated): 1000 Genomes Project 30x 0.40240; 1000 Genomes Project 0.40595; TOPMed 0.41989; gnomAD 0.42566; gnomAD exomes 0.47160.
gnomAD v4.1: 302,374 of 655,452 alleles (46%); highest among the groups gnomAD compares: Admixed American, 55%; 72,554 homozygotes.

Submissions (3):

Blueprint Genetics
Classification: Benign. Last evaluated: 2024-11-26. Review status: criteria provided, single submitter. Criteria: ACMG Guidelines, 2015. Collection method: clinical testing. Allele origin: germline.

Unidad de Genómica Garrahan, Hospital de Pediatría Garrahan
Classification: Benign. Last evaluated: 2024-01-24. Review status: criteria provided, single submitter. Criteria: ACMG Guidelines, 2015. Collection method: clinical testing. Allele origin: germline. Affected: no. Observed: 25 variant alleles.
Comment: This variant is classified as Benign based on local population frequency. This variant was detected in 26% of patients studied by a panel of primary immunodeficiencies. Number of patients: 25. Only high quality variants are reported.

GeneDx
Classification: Benign. Last evaluated: 2018-07-09. Review status: criteria provided, single submitter. Criteria: GeneDx Variant Classification Process June 2021. Collection method: clinical testing. Allele origin: germline. Affected: yes.

NM_020458.4(TTC7A):c.1510+121A>G

Gene: TTC7A (tetratricopeptide repeat domain 7A; plus strand). Cytogenetic location: 2p21.
Variant type: single nucleotide variant.
Coding change: c.1510+121A>G on transcript NM_020458.4 (MANE Select); 121 bases into the intron after coding-DNA position 1510, A replaced by G.
Molecular consequence: intron variant.
Genome position (GRCh38, 1-based): chr2:47,022,100, A>G. VCF-style: chr2-47022100-A-G. GRCh37 (hg19) VCF-style: chr2-47249239-A-G.
Other names: c.1408+121A>G (NM_001288953.2); c.1510+121A>G (NM_001288951.2); c.448+121A>G (NM_001288955.2).
Identifiers: ClinVar variation 1243539 (VCV001243539.5), dbSNP rs3814036, ClinGen allele CA11114525.